The following is an entry in ClinVar:

ClinVar aggregate classification (germline): Uncertain significance (1 of 4 stars; one submission).

gnomAD v4.1: 3 of 1,613,470 alleles (0.00019%); highest among the groups gnomAD compares: African/African-American, 0.004%; no homozygotes.

Submission:

Labcorp Genetics (formerly Invitae), Labcorp
Classification: Uncertain significance. Last evaluated: 2024-10-24. Review status: criteria provided, single submitter. Criteria: Invitae Variant Classification Sherloc (09022015). Collection method: clinical testing. Allele origin: germline.
Comment: This sequence change replaces arginine, which is basic and polar, with leucine, which is neutral and non-polar, at codon 1154 of the AUTS2 protein (p.Arg1154Leu). This variant is present in population databases (no rsID available, gnomAD 0.008%). This variant has not been reported in the literature in individuals affected with AUTS2-related conditions. Invitae Evidence Modeling of protein sequence and biophysical properties (such as structural, functional, and spatial information, amino acid conservation, physicochemical variation, residue mobility, and thermodynamic stability) indicates that this missense variant is expected to disrupt AUTS2 protein function with a positive predictive value of 80%. In summary, the available evidence is currently insufficient to determine the role of this variant in disease. Therefore, it has been classified as a Variant of Uncertain Significance.

NM_015570.4(AUTS2):c.3461G>T (p.Arg1154Leu)

Gene: AUTS2 (activator of transcription and developmental regulator AUTS2; plus strand). Cytogenetic location: 7q11.22.
Variant type: single nucleotide variant.
Coding change: c.3461G>T on transcript NM_015570.4 (MANE Select); coding-DNA position 3461, G replaced by T.
Protein change: p.Arg1154Leu; replaces arginine 1154 with leucine.
Molecular consequence: missense variant.
Genome position (GRCh38, 1-based): chr7:70,790,677, G>T. VCF-style: chr7-70790677-G-T. GRCh37 (hg19) VCF-style: chr7-70255663-G-T.
Other names: c.3389G>T, p.Arg1130Leu (NM_001127231.3); short protein forms R1130L, R1154L.
Identifiers: ClinVar variation 3628656 (VCV003628656.2).